The following is an entry in ClinVar:

ClinVar aggregate classification (germline): Uncertain significance. Review status: criteria provided, multiple submitters, no conflicts (2 of 4 stars). 3 submissions from 3 submitters: Uncertain significance (3). Last evaluated 2026-07-19.

Conditions:
Familial thoracic aortic aneurysm and aortic dissection (TAAD). Also called: Thoracic aortic aneurysms and dissections. Identifiers: Orphanet 91387, MedGen C4707243, MONDO:0019625.

Submissions (3):

Ambry Genetics
Classification: Uncertain significance for Familial thoracic aortic aneurysm and aortic dissection. Last evaluated: 2026-07-19. Review status: criteria provided, single submitter. Criteria: Ambry Variant Classification Scheme 2023. Collection method: clinical testing. Allele origin: germline.
Comment: The p.Q1867K variant (also known as c.5599C>A), located in coding exon 38 of the MYH11 gene, results from a C to A substitution at nucleotide position 5599. The glutamine at codon 1867 is replaced by lysine, an amino acid with similar properties. This amino acid position is conserved. In addition, the in silico prediction for this alteration is inconclusive. Based on the available evidence, the clinical significance of this variant remains unclear.

Color Diagnostics, LLC DBA Color Health
Classification: Uncertain significance for Familial thoracic aortic aneurysm and aortic dissection. Last evaluated: 2025-09-01. Review status: criteria provided, single submitter. Criteria: ACMG Guidelines, 2015. Collection method: clinical testing. Allele origin: germline.
Comment: This missense variant replaces glutamine with lysine at codon 1874 of the MYH11 protein. Computational prediction suggests that this variant may have deleterious impact on protein structure and function. To our knowledge, functional studies have not been reported for this variant. This variant has not been reported in individuals affected with MYH11-related disorders in the literature. This variant has not been identified in the general population by the Genome Aggregation Database (gnomAD). The available evidence is insufficient to determine the role of this variant in disease conclusively. Therefore, this variant is classified as a Variant of Uncertain Significance.

GeneDx
Classification: Uncertain significance. Last evaluated: 2025-06-21. Review status: criteria provided, single submitter. Criteria: GeneDx Variant Classification Process June 2021. Collection method: clinical testing. Allele origin: germline. Affected: yes.
Comment: Not observed at significant frequency in large population cohorts (gnomAD); In silico analysis supports that this missense variant has a deleterious effect on protein structure/function; Has not been previously published as pathogenic or benign to our knowledge; This variant is associated with the following publications: (PMID: 21529752)

NM_002474.3(MYH11):c.5599C>A (p.Gln1867Lys)

Genes: MYH11 (myosin heavy chain 11; minus strand), NDE1 (nudE neurodevelopment protein 1; plus strand). Cytogenetic location: 16p13.11.
Variant type: single nucleotide variant.
Coding change: c.5599C>A on transcript NM_002474.3 (MANE Select); coding-DNA position 5599, C replaced by A.
Protein change: p.Gln1867Lys; replaces glutamine 1867 with lysine.
Molecular consequence: missense variant. On other transcripts: intron variant (2).
Genome position (GRCh38, 1-based): chr16:15,715,178, G>T on the plus strand (C>A on the coding strand, the complement: MYH11 is on the minus strand). VCF-style: chr16-15715178-G-T. GRCh37 (hg19) VCF-style: chr16-15809035-G-T.
Other names: c.5620C>A, p.Gln1874Lys (NM_001040113.2, NM_001040114.2); c.5599C>A, p.Gln1867Lys (NM_022844.3); c.948-9013G>T (NM_001143979.2, NM_017668.3); c.5599C>A (NM_002474.2); short protein forms Q1867K, Q1874K.
Identifiers: ClinVar variation 4538810 (VCV004538810.3).
Genomic context (GRCh38, chr16:15,715,178, plus strand): 5'-CGGCTGGGGGCTGGGGGCTCGAGGGAGGCTGGGTGGCAGGGGCTACCTGCTCCTTGTACT[G>T]CTCGGCCATCTTGCGCTCGTCCTCCACCTGCAGCAAGATTTCCTTCAGCTTCTTGTCTTT-3'
Protein context (NP_002465.1, residues 1857-1877): QVEDERKMAE[Gln1867Lys]YKEQAEKGNA